The following is an entry in ClinVar:

NM_000744.7(CHRNA4):c.1758+191C>T

Gene: CHRNA4 (cholinergic receptor nicotinic alpha 4 subunit; minus strand). Cytogenetic location: 20q13.33.
Variant type: single nucleotide variant.
Coding change: c.1758+191C>T on transcript NM_000744.7 (MANE Select); 191 bases into the intron after coding-DNA position 1758, C replaced by T.
Molecular consequence: intron variant.
Genome position (GRCh38, 1-based): chr20:63,349,462, G>A on the plus strand (C>T on the coding strand, the complement: CHRNA4 is on the minus strand). VCF-style: chr20-63349462-G-A. GRCh37 (hg19) VCF-style: chr20-61980814-G-A.
Other names: c.1230+191C>T (NM_001256573.2).
Identifiers: ClinVar variation 677370 (VCV000677370.1), dbSNP rs114426220, ClinGen allele CA14837183.

ClinVar aggregate classification (germline): Benign (1 of 4 stars; one submission).

Allele frequency attached by ClinVar (database versions not stated): gnomAD exomes 0.01233; gnomAD 0.06037 and 0.06197; TOPMed 0.06594; 1000 Genomes Project 0.08367; 1000 Genomes Project 30x 0.08698.
gnomAD v4.1: 16,791 of 755,502 alleles (2.2%); highest among the groups gnomAD compares: African/African-American, 20%; 1,341 homozygotes.

Submission:

GeneDx
Classification: Benign. Last evaluated: 2018-06-19. Review status: criteria provided, single submitter. Criteria: GeneDx Variant Classification (06012015). Collection method: clinical testing. Allele origin: germline. Affected: yes.
Comment: This variant is considered likely benign or benign based on one or more of the following criteria: it is a conservative change, it occurs at a poorly conserved position in the protein, it is predicted to be benign by multiple in silico algorithms, and/or has population frequency not consistent with disease.